The following is an entry in ClinVar:

NM_001365951.3(KIF1B):c.-208G>C

Genes: KIF1B (kinesin family member 1B; plus strand), LOC129929363 (ATAC-STARR-seq lymphoblastoid silent region 243; plus strand). Cytogenetic location: 1p36.22.
Variant type: single nucleotide variant.
Coding change: c.-208G>C on transcript NM_001365951.3 (MANE Select); 208 bases upstream of the start codon, G replaced by C.
Molecular consequence: 5 prime UTR variant.
Genome position (GRCh38, 1-based): chr1:10,210,750, G>C. VCF-style: chr1-10210750-G-C. GRCh37 (hg19) VCF-style: chr1-10270808-G-C.
Other names: c.-208G>C (NM_015074.3, NM_183416.4).
Identifiers: ClinVar variation 291457 (VCV000291457.6), dbSNP rs146663377, ClinGen allele CA10607165.

ClinVar aggregate classification (germline): Benign. Review status: criteria provided, multiple submitters, no conflicts (2 of 4 stars). 2 submissions from 2 submitters: Benign (2). Last evaluated 2018-06-23.

Conditions:
Neuroblastoma (NB). Identifiers: Orphanet 635, MedGen C0027819, MeSH D009447, MONDO:0005072, HP:0003006.

Allele frequency attached by ClinVar (database versions not stated): gnomAD 0.03159 and 0.03420; 1000 Genomes Project 0.03275; TOPMed 0.03280; 1000 Genomes Project 30x 0.03576.

Submissions (2):

GeneDx
Classification: Benign. Last evaluated: 2018-06-23. Review status: criteria provided, single submitter. Criteria: GeneDx Variant Classification Process June 2021. Collection method: clinical testing. Allele origin: germline. Affected: yes.

Illumina Laboratory Services, Illumina
Classification: Benign for Neuroblastoma. Last evaluated: 2018-01-13. Review status: criteria provided, single submitter. Criteria: ICSL Variant Classification Criteria 13 December 2019. Collection method: clinical testing. Allele origin: germline.
Comment: This variant was observed in the ICSL laboratory as part of a predisposition screen in an ostensibly healthy population. It had not been previously curated by ICSL or reported in the Human Gene Mutation Database (HGMD: prior to June 1st, 2018), and was therefore a candidate for classification through an automated scoring system. Utilizing variant allele frequency, disease prevalence and penetrance estimates, and inheritance mode, an automated score was calculated to assess if this variant is too frequent to cause the disease. Based on the score and internal cut-off values, a variant classified as benign is not then subjected to further curation. The score for this variant resulted in a classification of benign for this disease.